The following is an entry in ClinVar:

NM_001378454.1(ALMS1):c.4375C>T (p.Pro1459Ser)

Gene: ALMS1 (ALMS1 centrosome and basal body associated protein; plus strand). Cytogenetic location: 2p13.1.
Variant type: single nucleotide variant.
Coding change: c.4375C>T on transcript NM_001378454.1 (MANE Select); coding-DNA position 4375, C replaced by T.
Protein change: p.Pro1459Ser; replaces proline 1459 with serine.
Molecular consequence: missense variant.
Genome position (GRCh38, 1-based): chr2:73,450,902, C>T. VCF-style: chr2-73450902-C-T. GRCh37 (hg19) VCF-style: chr2-73678029-C-T.
Other names: c.4378C>T, p.Pro1460Ser (NM_015120.4); short protein forms P1459S, P1460S.
Identifiers: ClinVar variation 2498291 (VCV002498291.3), dbSNP rs2466101466, ClinGen allele CA347278412.
Genomic context (GRCh38, chr2:73,450,902, plus strand): 5'-TACCAACAGGTCTTGCCACATAGTCATCTACCTGAAGAGGCTTTGGAAGTTTCAGTTGCT[C>T]CTGGACCAGTTGACCAGACGATTGGCACACCAACTGTAACCTCCCCTTCCAGCTCATTTG-3'
Protein context (NP_001365383.1, residues 1449-1469): PEEALEVSVA[Pro1459Ser]GPVDQTIGTP

ClinVar aggregate classification (germline): Conflicting classifications of pathogenicity. Review status: criteria provided, conflicting classifications (1 of 4 stars). 2 submissions from 2 submitters: Likely pathogenic (1); Uncertain significance (1). Last evaluated 2025-04-06.

Conditions:
Bardet-Biedl syndrome (BBS). Identifiers: Orphanet 110, MedGen C0752166, MONDO:0015229.

Submissions (2):

Dasa
Classification: Uncertain significance. Last evaluated: 2025-04-06. Review status: criteria provided, single submitter. Criteria: DASA Assertion Criteria. Collection method: clinical testing. Allele origin: germline.
Comment: NM_001378454.1(ALMS1):c.4375C>T (p.Pro1459Ser) is a missense variant that results in the substitution of proline with serine. This variant is absent from population databases. Computational prediction algorithms are consistent with a benign effect. The currently available literature and clinical evidence are not sufficient to establish a definitive association between this variant and the reported condition. Therefore, this variant is classified as a variant of uncertain significance.

SN ONGC Dept of Genetics and Molecular biology Vision Research Foundation
Classification: Likely pathogenic for Bardet-Biedl syndrome. Review status: criteria provided, single submitter. Criteria: ACMG Guidelines, 2015. Collection method: research. Allele origin: biparental. Affected: yes.